The following is an entry in ClinVar:

ClinVar aggregate classification (germline): Uncertain significance (1 of 4 stars; one submission).

Submission:

Dasa
Classification: Uncertain significance. Last evaluated: 2025-02-26. Review status: criteria provided, single submitter. Criteria: DASA Assertion Criteria. Collection method: clinical testing. Allele origin: germline.
Comment: NM_001135254.2(PAX7):c.266G>C (p.Arg89Pro) is a missense variant that results in the substitution of arginine with proline. This variant has been observed in affected individuals with PAX7-related disorders. Also, this variant is absent from population databases. Computational prediction algorithms are consistent with a deleterious effect. The currently available literature and clinical evidence are not sufficient to establish a definitive association between this variant and the reported condition. Therefore, this variant is classified as a variant of uncertain significance.

NM_001135254.2(PAX7):c.266G>C (p.Arg89Pro)

Gene: PAX7 (paired box 7; plus strand). Cytogenetic location: 1p36.13.
Variant type: single nucleotide variant.
Coding change: c.266G>C on transcript NM_001135254.2 (MANE Select); coding-DNA position 266, G replaced by C.
Protein change: p.Arg89Pro; replaces arginine 89 with proline.
Molecular consequence: missense variant.
Genome position (GRCh38, 1-based): chr1:18,634,483, G>C. VCF-style: chr1-18634483-G-C. GRCh37 (hg19) VCF-style: chr1-18960977-G-C.
Other names: c.266G>C, p.Arg89Pro (NM_002584.3, NM_013945.3); short protein forms R89P.
Identifiers: ClinVar variation 4885244 (VCV004885244.2).